The following is an entry in ClinVar:

ClinVar aggregate classification (germline): Conflicting classifications of pathogenicity. Review status: criteria provided, conflicting classifications (1 of 4 stars). 3 submissions from 3 submitters: Uncertain significance (1); Likely benign (2). Last evaluated 2024-08-12.

Conditions:
Hereditary cancer-predisposing syndrome. Also called: Neoplastic Syndromes, Hereditary; Hereditary Cancer Syndrome; Tumor predisposition; Hereditary neoplastic syndrome. Identifiers: Orphanet 140162, MedGen C0027672, MeSH D009386, MONDO:0015356.
Hereditary breast ovarian cancer syndrome. Also called: BRCA1- and BRCA2-Associated Hereditary Breast and Ovarian Cancer; Hereditary breast and ovarian cancer; Hereditary breast and ovarian cancer syndrome; Hereditary breast and/or ovarian cancer syndrome; Hereditary breast and ovarian cancer syndrome (HBOC); Breast and ovarian cancer. Identifiers: Orphanet 145, MedGen C0677776, MeSH D061325, MONDO:0003582. Disease mechanism: loss of function.

gnomAD v4.1: 1 of 1,594,842 alleles (0.000063%); highest among the groups gnomAD compares: Non-Finnish European, 0.000085%; no homozygotes.

Submissions (3):

Ambry Genetics
Classification: Likely benign for Hereditary cancer-predisposing syndrome. Last evaluated: 2024-08-12. Review status: criteria provided, single submitter. Criteria: Ambry Variant Classification Scheme 2023. Collection method: clinical testing. Allele origin: germline.

University of Washington Department of Laboratory Medicine, University of Washington
Classification: Likely benign for Hereditary cancer-predisposing syndrome. Last evaluated: 2023-03-23. Review status: criteria provided, single submitter. Criteria: Dines et al. (Genet Med. 2020). Collection method: curation. Allele origin: germline.
Comment: Missense variant in a coldspot region where missense variants are very unlikely to be pathogenic (PMID:31911673).

BRCA2 exon 11 coldspot. Reclassification based on statistical prior probability.

Labcorp Genetics (formerly Invitae), Labcorp
Classification: Uncertain significance for Hereditary breast ovarian cancer syndrome. Last evaluated: 2021-11-30. Review status: criteria provided, single submitter. Criteria: Invitae Variant Classification Sherloc (09022015). Collection method: clinical testing. Allele origin: germline.
Comment: ClinVar contains an entry for this variant (Variation ID: 971871). In summary, the available evidence is currently insufficient to determine the role of this variant in disease. Therefore, it has been classified as a Variant of Uncertain Significance. Algorithms developed to predict the effect of sequence changes on RNA splicing suggest that this variant may create or strengthen a splice site. Advanced modeling of protein sequence and biophysical properties (such as structural, functional, and spatial information, amino acid conservation, physicochemical variation, residue mobility, and thermodynamic stability) performed at Invitae indicates that this missense variant is not expected to disrupt BRCA2 protein function. This variant has not been reported in the literature in individuals affected with BRCA2-related conditions. This variant is not present in population databases (gnomAD no frequency). This sequence change replaces cysteine, which is neutral and slightly polar, with serine, which is neutral and polar, at codon 1081 of the BRCA2 protein (p.Cys1081Ser).

NM_000059.4(BRCA2):c.3241T>A (p.Cys1081Ser)

Gene: BRCA2 (BRCA2 DNA repair associated; plus strand). Cytogenetic location: 13q13.1.
Variant type: single nucleotide variant.
Coding change: c.3241T>A on transcript NM_000059.4 (MANE Select); coding-DNA position 3241, T replaced by A.
Protein change: p.Cys1081Ser; replaces cysteine 1081 with serine.
Molecular consequence: missense variant.
Genome position (GRCh38, 1-based): chr13:32,337,596, T>A. VCF-style: chr13-32337596-T-A. GRCh37 (hg19) VCF-style: chr13-32911733-T-A.
Other names: short protein forms C1081S.
Identifiers: ClinVar variation 971871 (VCV000971871.10), dbSNP rs1555283117, ClinGen allele CA387775945.